The following is an entry in ClinVar:

NM_001375524.1(TRRAP):c.1857C>A (p.Asn619Lys)

Gene: TRRAP (transformation/transcription domain associated protein; plus strand). Cytogenetic location: 7q22.1.
Variant type: single nucleotide variant.
Coding change: c.1857C>A on transcript NM_001375524.1 (MANE Select); coding-DNA position 1857, C replaced by A.
Protein change: p.Asn619Lys; replaces asparagine 619 with lysine.
Molecular consequence: missense variant.
Genome position (GRCh38, 1-based): chr7:98,911,121, C>A. VCF-style: chr7-98911121-C-A. GRCh37 (hg19) VCF-style: chr7-98508744-C-A.
Other names: c.1857C>A, p.Asn619Lys (NM_001244580.2, NM_003496.4); short protein forms N619K.
Identifiers: ClinVar variation 3347159 (VCV003347159.1).

ClinVar aggregate classification (germline): Uncertain significance (0 of 4 stars; one submission).

Conditions:
TRRAP-related disorder. Also called: TRRAP-related condition.

Submission:

PreventionGenetics, part of Exact Sciences
Classification: Uncertain significance for TRRAP-related condition. Last evaluated: 2024-09-21. Review status: no assertion criteria provided. Collection method: clinical testing. Allele origin: germline.
Comment: The TRRAP c.1857C>A variant is predicted to result in the amino acid substitution p.Asn619Lys. To our knowledge, this variant has not been reported in the literature or in gnomAD, indicating this variant is rare. At this time, the clinical significance of this variant is uncertain due to the absence of conclusive functional and genetic evidence.